The following is an entry in ClinVar:

NM_000083.3(CLCN1):c.2285-7C>T

Gene: CLCN1 (chloride voltage-gated channel 1; plus strand). Cytogenetic location: 7q34.
Variant type: single nucleotide variant.
Coding change: c.2285-7C>T on transcript NM_000083.3 (MANE Select); 7 bases into the intron before coding-DNA position 2285, C replaced by T.
Molecular consequence: intron variant.
Genome position (GRCh38, 1-based): chr7:143,346,572, C>T. VCF-style: chr7-143346572-C-T. GRCh37 (hg19) VCF-style: chr7-143043665-C-T.
Other names: c.2285-7C>T (NM_000083.2).
Identifiers: ClinVar variation 2945610 (VCV002945610.5), dbSNP rs756010411, ClinGen allele CA4537632.
Genomic context (GRCh38, chr7:143,346,572, plus strand): 5'-TGGGTGGGGCCCCTGGCCGTTTCCTGTTGCTTTGTGTCCATTTCCATCCACTCACCTGTC[C>T]TCTCAGGTCAAAGACCCTCCATCTTCCAGTCCCTGCTTCACTGCTTGCTGGGCAGAGCTC-3'

ClinVar aggregate classification (germline): Likely benign. Review status: criteria provided, single submitter (1 of 4 stars). 2 submissions from 2 submitters: Likely benign (1). 1 of the submissions does not count toward it. Last evaluated 2023-05-31.

Conditions:
Congenital myotonia, autosomal dominant form (THD). Also called: THOMSEN DISEASE; Myotonia congenita autosomal dominant. Identifiers: Orphanet 614, MedGen C2936781, MONDO:0008055, OMIM 160800.
Congenital myotonia, autosomal recessive form. Also called: BECKER DISEASE; Becker Generalized Myotonia; myotonia congenita, autosomal recessive. Identifiers: Orphanet 614, MedGen C0751360, MONDO:0009715, OMIM 255700.
CLCN1-related disorder. Also called: CLCN1-related condition.

Allele frequency attached by ClinVar (database versions not stated): gnomAD exomes below 0.00001; TOPMed below 0.00001; ExAC 0.00001.
gnomAD v4.1: 4 of 1,609,738 alleles (0.00025%); highest among the groups gnomAD compares: Non-Finnish European, 0.00017%; no homozygotes.

Submissions (2):

Labcorp Genetics (formerly Invitae), Labcorp
Classification: Likely benign for Congenital myotonia, autosomal recessive form; Congenital myotonia, autosomal dominant form. Last evaluated: 2023-05-31. Review status: criteria provided, single submitter. Criteria: Invitae Variant Classification Sherloc (09022015). Collection method: clinical testing. Allele origin: germline.

PreventionGenetics, part of Exact Sciences
Classification: Likely benign for CLCN1-related condition. Last evaluated: 2019-03-21. Review status: no assertion criteria provided. Collection method: clinical testing. Allele origin: germline. Not counted in ClinVar's aggregate classification.
Comment: This variant is classified as likely benign based on ACMG/AMP sequence variant interpretation guidelines (Richards et al. 2015 PMID: 25741868, with internal and published modifications).